The following is an entry in ClinVar:

ClinVar aggregate classification (germline): Likely pathogenic (1 of 4 stars; one submission).

Conditions:
Primary ciliary dyskinesia. Also called: Ciliary dyskinesia. Identifiers: Orphanet 244, MedGen C0008780, MONDO:0016575, HP:0012265.

Submission:

Labcorp Genetics (formerly Invitae), Labcorp
Classification: Likely pathogenic for Primary ciliary dyskinesia. Last evaluated: 2025-11-10. Review status: criteria provided, single submitter. Criteria: Invitae Variant Classification Sherloc (09022015). Collection method: clinical testing. Allele origin: germline.
Comment: This sequence change affects a donor splice site in intron 3 of the CCDC114 gene. It is expected to disrupt RNA splicing. Variants that disrupt the donor or acceptor splice site typically lead to a loss of protein function (PMID: 16199547), and loss-of-function variants in CCDC114 are known to be pathogenic (PMID: 23261302, 23261303). This variant is not present in population databases (gnomAD no frequency). This variant has not been reported in the literature in individuals affected with CCDC114-related conditions. Algorithms developed to predict the effect of sequence changes on RNA splicing suggest that this variant may disrupt the consensus splice site. In summary, the currently available evidence indicates that the variant is pathogenic, but additional data are needed to prove that conclusively. Therefore, this variant has been classified as Likely Pathogenic.

Literature cited by the submitters: PubMed 16199547; PubMed 23261302; PubMed 23261303.

NM_001364171.2(ODAD1):c.360+1G>A

Gene: ODAD1 (outer dynein arm docking complex subunit 1; minus strand). Cytogenetic location: 19q13.33.
Variant type: single nucleotide variant.
Coding change: c.360+1G>A on transcript NM_001364171.2 (MANE Select); the canonical splice donor site of the intron after coding-DNA position 360, G replaced by A.
Molecular consequence: splice donor variant.
Genome position (GRCh38, 1-based): chr19:48,318,386, C>T on the plus strand (G>A on the coding strand, the complement: ODAD1 is on the minus strand). VCF-style: chr19-48318386-C-T. GRCh37 (hg19) VCF-style: chr19-48821643-C-T.
Other names: c.249+1G>A (NM_144577.4).
Identifiers: ClinVar variation 4777123 (VCV004777123.1), dbSNP rs2147336391.